The following is an entry in ClinVar:

NM_198687.2(KRTAP10-4):c.330C>T (p.Cys110=)

Genes: KRTAP10-4 (keratin associated protein 10-4; plus strand), TSPEAR (thrombospondin type laminin G domain and EAR repeats; minus strand). Cytogenetic location: 21q22.3.
Variant type: single nucleotide variant.
Coding change: c.330C>T on transcript NM_198687.2 (MANE Select); coding-DNA position 330, C replaced by T.
Protein change: p.Cys110=; no amino-acid change (cysteine 110 retained).
Molecular consequence: synonymous variant. On other transcripts: intron variant (2).
Genome position (GRCh38, 1-based): chr21:44,574,088, C>T. VCF-style: chr21-44574088-C-T. GRCh37 (hg19) VCF-style: chr21-45993965-C-T.
Other names: c.-122-6083G>A (NM_001272037.2); c.83-6083G>A (NM_144991.3).
Identifiers: ClinVar variation 1695031 (VCV001695031.31), dbSNP rs201050632, ClinGen allele CA10058240.

ClinVar aggregate classification (germline): Likely benign (1 of 4 stars; one submission).

Allele frequency attached by ClinVar (database versions not stated): 1000 Genomes Project 30x 0.00031; 1000 Genomes Project 0.00060; ESP Exome Variant Server 0.00073.
gnomAD v4.1: 534 of 1,607,360 alleles (0.033%); highest among the groups gnomAD compares: Middle Eastern, 0.98%; no homozygotes.

Submission:

CeGaT Center for Human Genetics Tuebingen
Classification: Likely benign. Last evaluated: 2023-01-01. Review status: criteria provided, single submitter. Criteria: CeGaT Center For Human Genetics Tuebingen Variant Classification Criteria Version 2. Collection method: clinical testing. Allele origin: germline. Affected: yes. Observed: 2 variant alleles.
Comment: KRTAP10-4: BP4, BP7